The following is an entry in ClinVar:

ClinVar aggregate classification (germline): Likely benign. Review status: criteria provided, multiple submitters, no conflicts (2 of 4 stars). 2 submissions from 2 submitters: Likely benign (2). Last evaluated 2025-11-26.

Conditions:
BBS2-related disorder. Also called: BBS2-related condition; BBS2-related disorders. Identifiers: MedGen CN239228.
Bardet-Biedl syndrome (BBS). Identifiers: Orphanet 110, MedGen C0752166, MONDO:0015229.

gnomAD v4.1: 2 of 1,613,970 alleles (0.00012%); highest among the groups gnomAD compares: African/African-American, 0.0013%; no homozygotes.

Submissions (2):

PreventionGenetics, part of Exact Sciences
Classification: Likely benign for BBS2-related condition. Last evaluated: 2025-11-26. Review status: criteria provided, single submitter. Criteria: ACMG Guidelines, 2015. Collection method: clinical testing. Allele origin: germline.
Comment: This variant is classified as likely benign based on ACMG/AMP sequence variant interpretation guidelines (Richards et al. 2015 PMID: 25741868, with internal and published modifications).

Labcorp Genetics (formerly Invitae), Labcorp
Classification: Likely benign for Bardet-Biedl syndrome. Last evaluated: 2025-09-08. Review status: criteria provided, single submitter. Criteria: Invitae Variant Classification Sherloc (09022015). Collection method: clinical testing. Allele origin: germline.

NM_031885.5(BBS2):c.1551C>T (p.Asn517=)

Gene: BBS2 (Bardet-Biedl syndrome 2; minus strand). Cytogenetic location: 16q13.
Variant type: single nucleotide variant.
Coding change: c.1551C>T on transcript NM_031885.5 (MANE Select); coding-DNA position 1551, C replaced by T.
Protein change: p.Asn517=; no amino-acid change (asparagine 517 retained).
Molecular consequence: synonymous variant. On other transcripts: non-coding transcript variant (5).
Genome position (GRCh38, 1-based): chr16:56,498,545, G>A on the plus strand (C>T on the coding strand, the complement: BBS2 is on the minus strand). VCF-style: chr16-56498545-G-A. GRCh37 (hg19) VCF-style: chr16-56532457-G-A.
Other names: c.1551C>T (NM_031885.3); c.1551C>T, p.Asn517= (NM_001377456.1).
Identifiers: ClinVar variation 1097950 (VCV001097950.10), dbSNP rs1306411366, ClinGen allele CA495586330.